The following is an entry in ClinVar:

ClinVar aggregate classification (germline): Uncertain significance (1 of 4 stars; one submission).

gnomAD v4.1: 1 of 1,614,152 alleles (0.000062%); highest among the groups gnomAD compares: East Asian, 0.0022%; no homozygotes.

Submission:

Labcorp Genetics (formerly Invitae), Labcorp
Classification: Uncertain significance. Last evaluated: 2022-08-22. Review status: criteria provided, single submitter. Criteria: Invitae Variant Classification Sherloc (09022015). Collection method: clinical testing. Allele origin: germline.
Comment: In summary, the available evidence is currently insufficient to determine the role of this variant in disease. Therefore, it has been classified as a Variant of Uncertain Significance. Algorithms developed to predict the effect of missense changes on protein structure and function are either unavailable or do not agree on the potential impact of this missense change (SIFT: "Deleterious"; PolyPhen-2: "Probably Damaging"; Align-GVGD: "Class C0"). This variant has not been reported in the literature in individuals affected with C1QC-related conditions. This variant is present in population databases (no rsID available, gnomAD 0.006%). This sequence change replaces isoleucine, which is neutral and non-polar, with phenylalanine, which is neutral and non-polar, at codon 138 of the C1QC protein (p.Ile138Phe).

NM_172369.5(C1QC):c.412A>T (p.Ile138Phe)

Gene: C1QC (complement C1q C chain; plus strand). Cytogenetic location: 1p36.12.
Variant type: single nucleotide variant.
Coding change: c.412A>T on transcript NM_172369.5 (MANE Select); coding-DNA position 412, A replaced by T.
Protein change: p.Ile138Phe; replaces isoleucine 138 with phenylalanine.
Molecular consequence: missense variant.
Genome position (GRCh38, 1-based): chr1:22,647,457, A>T. VCF-style: chr1-22647457-A-T. GRCh37 (hg19) VCF-style: chr1-22973950-A-T.
Other names: c.412A>T, p.Ile138Phe (NM_001114101.3, NM_001347619.2); c.145A>T, p.Ile49Phe (NM_001347620.2); short protein forms I49F, I138F.
Identifiers: ClinVar variation 2011485 (VCV002011485.4), dbSNP rs1176934793, ClinGen allele CA338936914.